The following is an entry in ClinVar:

NM_017802.4(DNAAF5):c.1796del (p.Gly599fs)

Gene: DNAAF5 (dynein axonemal assembly factor 5; plus strand). Cytogenetic location: 7p22.3.
Variant type: Deletion.
Coding change: c.1796del on transcript NM_017802.4 (MANE Select); coding-DNA position 1796, one base deleted (G; older notation c.1796delG).
Protein change: p.Gly599fs; shifts the reading frame from glycine 599.
Molecular consequence: frameshift variant. On other transcripts: non-coding transcript variant (1).
Genome position (GRCh38, 1-based): chr7:770,483, G deleted; the last of 3 consecutive G bases (chr7:770,481-770,483); deleting any one gives the same sequence. VCF-style (leftmost placement, unchanged base first): chr7-770480-TG-T. GRCh37 (hg19) VCF-style: chr7-810117-TG-T.
Other names: c.1796delG (NM_017802.4); short protein forms G599fs.
Identifiers: ClinVar variation 5042563 (VCV005042563.1).

ClinVar aggregate classification (germline): Likely pathogenic (1 of 4 stars; one submission).

Conditions:
Primary ciliary dyskinesia 18. Also called: CILIARY DYSKINESIA, PRIMARY, 18, WITH OR WITHOUT SITUS INVERSUS. Identifiers: Orphanet 244, MedGen C3543825, MONDO:0013940, OMIM 614874.

Submission:

UAEU Genomics Laboratory, United Arab Emirates University
Classification: Likely pathogenic for Primary ciliary dyskinesia 18. Last evaluated: 2023-11-16. Review status: criteria provided, single submitter. Criteria: ACMG Guidelines, 2015. Collection method: research. Allele origin: germline. Affected: yes. Observed: 1 variant allele.
Comment: PM2, PVS1